The following is an entry in ClinVar:

NM_000088.4(COL1A1):c.2806T>A (p.Ser936Thr)

Gene: COL1A1 (collagen type I alpha 1 chain; minus strand). Cytogenetic location: 17q21.33.
Variant type: single nucleotide variant.
Coding change: c.2806T>A on transcript NM_000088.4 (MANE Select); coding-DNA position 2806, T replaced by A.
Protein change: p.Ser936Thr; replaces serine 936 with threonine.
Molecular consequence: missense variant.
Genome position (GRCh38, 1-based): chr17:50,189,400, A>T on the plus strand (T>A on the coding strand, the complement: COL1A1 is on the minus strand). VCF-style: chr17-50189400-A-T. GRCh37 (hg19) VCF-style: chr17-48266761-A-T.
Other names: short protein forms S936T.
Identifiers: ClinVar variation 3356806 (VCV003356806.1).

ClinVar aggregate classification (germline): Uncertain significance (0 of 4 stars; one submission).

Conditions:
COL1A1-related disorder. Also called: COL1A1- related disease; COL1A1-related condition.

Submission:

PreventionGenetics, part of Exact Sciences
Classification: Uncertain significance for COL1A1-related condition. Last evaluated: 2024-03-20. Review status: no assertion criteria provided. Collection method: clinical testing. Allele origin: germline.
Comment: The COL1A1 c.2806T>A variant is predicted to result in the amino acid substitution p.Ser936Thr. To our knowledge, this variant has not been reported in the literature or in a large population database, indicating this variant is rare. At this time, the clinical significance of this variant is uncertain due to the absence of conclusive functional and genetic evidence.